The following is an entry in ClinVar:

NM_001009944.3(PKD1):c.9678_9679insA (p.Gly3227fs)

Gene: PKD1 (polycystin 1, transient receptor potential channel interacting; minus strand). Cytogenetic location: 16p13.3.
Variant type: Insertion.
Coding change: c.9678_9679insA on transcript NM_001009944.3 (MANE Select); coding-DNA positions 9678 to 9679, A inserted.
Protein change: p.Gly3227fs; shifts the reading frame from glycine 3227.
Molecular consequence: frameshift variant.
Genome position: GRCh38 VCF-style: chr16-2100199-C-CT. GRCh37 (hg19) VCF-style: chr16-2150200-C-CT.
Other names: c.9678_9679insA, p.Gly3227fs (NM_000296.4); short protein forms G3227fs.
Identifiers: ClinVar variation 3579080 (VCV003579080.2).

ClinVar aggregate classification (germline): Pathogenic. Review status: criteria provided, multiple submitters, no conflicts (2 of 4 stars). 2 submissions from 2 submitters: Pathogenic (2). Last evaluated 2025-05-01.

Conditions:
Polycystic kidney disease, adult type (PKD1). Also called: Polycystic Kidney Disease 1, Autosomal Dominant; Polycystic kidney disease 1; Polycystic kidney disease 1, severe; POLYCYSTIC KIDNEY DISEASE 1 WITH OR WITHOUT POLYCYSTIC LIVER DISEASE; POLYCYSTIC KIDNEY DISEASE, ADULT, TYPE I; Polycystic Kidney, Autosomal Dominant. Identifiers: MedGen C3149841, MONDO:0008263, OMIM 173900.

Submissions (2):

Women's Health and Genetics/Laboratory Corporation of America, LabCorp
Classification: Pathogenic for Polycystic kidney disease, adult type. Last evaluated: 2025-05-01. Review status: criteria provided, single submitter. Criteria: LabCorp Variant Classification Summary - May 2015. Collection method: clinical testing. Allele origin: germline.
Comment: Variant summary: PKD1 c.9678_9679insA (p.Gly3227ArgfsX26) results in a premature termination codon, predicted to cause a truncation of the encoded protein or absence of the protein due to nonsense mediated decay, which are commonly known mechanisms for disease. The variant was absent in 244096 control chromosomes. To our knowledge, no occurrence of c.9678_9679insA in individuals affected with Polycystic Kidney Disease 1 and no experimental evidence demonstrating its impact on protein function have been reported. ClinVar contains an entry for this variant (Variation ID: 3579080). Based on the evidence outlined above, the variant was classified as pathogenic.

Fulgent Genetics
Classification: Pathogenic for Polycystic kidney disease, adult type. Last evaluated: 2024-05-06. Review status: criteria provided, single submitter. Criteria: ACMG Guidelines, 2015. Collection method: clinical testing. Allele origin: germline.